The following is an entry in ClinVar:

NM_000718.4(CACNA1B):c.6367G>A (p.Glu2123Lys)

Gene: CACNA1B (calcium voltage-gated channel subunit alpha1 B; plus strand). Cytogenetic location: 9q34.3.
Variant type: single nucleotide variant.
Coding change: c.6367G>A on transcript NM_000718.4 (MANE Select); coding-DNA position 6367, G replaced by A.
Protein change: p.Glu2123Lys; replaces glutamic acid 2123 with lysine.
Molecular consequence: missense variant.
Genome position (GRCh38, 1-based): chr9:138,120,759, G>A. VCF-style: chr9-138120759-G-A. GRCh37 (hg19) VCF-style: chr9-141015211-G-A.
Other names: c.6367G>A, p.Glu2123Lys (NM_001243812.2); short protein forms E2123K.
Identifiers: ClinVar variation 3994400 (VCV003994400.2).

ClinVar aggregate classification (germline): Uncertain significance. Review status: criteria provided, multiple submitters, no conflicts (2 of 4 stars). 2 submissions from 2 submitters: Uncertain significance (2). Last evaluated 2025-04-12.

gnomAD v4.1: 5 of 1,549,606 alleles (0.00032%); highest among the groups gnomAD compares: African/African-American, 0.0014%; no homozygotes.

Submissions (2):

Ambry Genetics
Classification: Uncertain significance. Last evaluated: 2025-04-12. Review status: criteria provided, single submitter. Criteria: Ambry Variant Classification Scheme 2023. Collection method: clinical testing. Allele origin: germline.

Labcorp Genetics (formerly Invitae), Labcorp
Classification: Uncertain significance. Last evaluated: 2025-03-09. Review status: criteria provided, single submitter. Criteria: Invitae Variant Classification Sherloc (09022015). Collection method: clinical testing. Allele origin: germline.
Comment: This sequence change replaces glutamic acid, which is acidic and polar, with lysine, which is basic and polar, at codon 2123 of the CACNA1B protein (p.Glu2123Lys). This variant is present in population databases (no rsID available, gnomAD 0.006%). This variant has not been reported in the literature in individuals affected with CACNA1B-related conditions. Invitae Evidence Modeling of protein sequence and biophysical properties (such as structural, functional, and spatial information, amino acid conservation, physicochemical variation, residue mobility, and thermodynamic stability) indicates that this missense variant is not expected to disrupt CACNA1B protein function with a negative predictive value of 80%. In summary, the available evidence is currently insufficient to determine the role of this variant in disease. Therefore, it has been classified as a Variant of Uncertain Significance.